The following is an entry in ClinVar:

ClinVar aggregate classification (germline): Uncertain significance. Review status: criteria provided, multiple submitters, no conflicts (2 of 4 stars). 7 submissions from 6 submitters: Uncertain significance (6). 1 of the submissions does not count toward it. Last evaluated 2025-03-19.

Conditions:
Hereditary cancer-predisposing syndrome. Also called: Hereditary Cancer Syndrome; Tumor predisposition; Hereditary neoplastic syndrome; Neoplastic Syndromes, Hereditary. Identifiers: Orphanet 140162, MedGen C0027672, MeSH D009386, MONDO:0015356.
Familial adenomatous polyposis 1 (FAP1). Also called: FAMILIAL ADENOMATOUS POLYPOSIS 1, ATTENUATED; POLYPOSIS, ADENOMATOUS INTESTINAL. Identifiers: MedGen C2713442, MONDO:0021056, OMIM 175100. Disease mechanism: loss of function.

Allele frequency attached by ClinVar (database versions not stated): gnomAD exomes below 0.00001.
gnomAD v4.1: 1 of 1,614,172 alleles (0.000062%); highest among the groups gnomAD compares: Admixed American, 0.0017%; no homozygotes.

Submissions (7):

Dasa
Classification: Uncertain significance. Last evaluated: 2025-03-19. Review status: criteria provided, single submitter. Criteria: DASA Assertion Criteria. Collection method: clinical testing. Allele origin: germline.
Comment: NM_000038.6(APC):c.2650G>A (p.Ala884Thr) is a missense variant that results in the substitution of alanine with threonine. This variant is rare in population databases. The currently available literature and clinical evidence are not sufficient to establish a definitive association between this variant and the reported condition. Therefore, this variant is classified as a variant of uncertain significance.

Color Diagnostics, LLC DBA Color Health
Classification: Uncertain significance for Hereditary cancer-predisposing syndrome. Last evaluated: 2024-03-06. Review status: criteria provided, single submitter. Criteria: ACMG Guidelines, 2015. Collection method: clinical testing. Allele origin: germline.
Comment: This missense variant replaces alanine with threonine at codon 884 of the APC protein. Computational prediction suggests that this variant may not impact protein structure and function (internally defined REVEL score threshold <= 0.5, PMID: 27666373). To our knowledge, functional studies have not been reported for this variant. This variant has not been reported in individuals affected with hereditary cancer in the literature. This variant has not been identified in the general population by the Genome Aggregation Database (gnomAD). The available evidence is insufficient to determine the role of this variant in disease conclusively. Therefore, this variant is classified as a Variant of Uncertain Significance.

Baylor Genetics
Classification: Uncertain significance for Familial adenomatous polyposis 1. Last evaluated: 2023-06-22. Review status: criteria provided, single submitter. Criteria: ACMG Guidelines, 2015. Collection method: clinical testing. Allele origin: unknown.

Labcorp Genetics (formerly Invitae), Labcorp
Classification: Uncertain significance for Familial adenomatous polyposis 1. Last evaluated: 2022-12-31. Review status: criteria provided, single submitter. Criteria: Invitae Variant Classification Sherloc (09022015). Collection method: clinical testing. Allele origin: germline.
Comment: This sequence change replaces alanine, which is neutral and non-polar, with threonine, which is neutral and polar, at codon 884 of the APC protein (p.Ala884Thr). This variant is not present in population databases (gnomAD no frequency). In summary, the available evidence is currently insufficient to determine the role of this variant in disease. Therefore, it has been classified as a Variant of Uncertain Significance. Advanced modeling of protein sequence and biophysical properties (such as structural, functional, and spatial information, amino acid conservation, physicochemical variation, residue mobility, and thermodynamic stability) performed at Invitae indicates that this missense variant is not expected to disrupt APC protein function. ClinVar contains an entry for this variant (Variation ID: 216157). This variant has not been reported in the literature in individuals affected with APC-related conditions.

GeneDx
Classification: Uncertain significance. Last evaluated: 2020-11-24. Review status: criteria provided, single submitter. Criteria: GeneDx Variant Classification Process June 2021. Collection method: clinical testing. Allele origin: germline. Affected: yes.
Comment: Not observed in large population cohorts (Lek 2016); In silico analysis supports that this missense variant does not alter protein structure/function; Has not been previously published as pathogenic or benign to our knowledge

Mendelics
Classification: Uncertain significance for Familial adenomatous polyposis 1. Last evaluated: 2019-05-28. Review status: criteria provided, single submitter. Criteria: Mendelics Assertion Criteria 2017. Collection method: clinical testing. Allele origin: unknown.

Labcorp Genetics (formerly Invitae), Labcorp
Classification: Uncertain significance for Familial adenomatous polyposis 1. Last evaluated: 2015-01-05. Review status: flagged submission. Criteria: Invitae Variant Classification Sherloc (09022015). Collection method: clinical testing. Allele origin: germline. Not counted in ClinVar's aggregate classification.
Comment: This sequence change replaces alanine with threonine at codon 884 of the APC protein (p.Ala884Thr). The alanine residue is highly conserved and there is a small physicochemical difference between alanine and threonine. This variant has not been published in the literature and is not present in population databases. Algorithms developed to predict the effect of missense changes on protein structure and function (SIFT, PolyPhen-2, Align-GVGD) all suggest that this variant is likely to be tolerated, but these predictions have not been confirmed by published functional studies. In summary, this is a novel missense change that is not predicted to affect protein function or cause disease. However the evidence is insufficient at this time to prove that conclusively. It has been classified as a Variant of Uncertain Significance.
ClinVar note: Reason: This record appears to be redundant with a more recent record from the same submitter.
ClinVar note: Notes: SCV000254002 appears to be redundant with SCV004692828.

NM_000038.6(APC):c.2650G>A (p.Ala884Thr)

Gene: APC (APC regulator of Wnt signaling pathway; plus strand). Cytogenetic location: 5q22.2.
Variant type: single nucleotide variant.
Coding change: c.2650G>A on transcript NM_000038.6 (MANE Select); coding-DNA position 2650, G replaced by A.
Protein change: p.Ala884Thr; replaces alanine 884 with threonine.
Molecular consequence: missense variant.
Genome position (GRCh38, 1-based): chr5:112,838,244, G>A. VCF-style: chr5-112838244-G-A. GRCh37 (hg19) VCF-style: chr5-112173941-G-A.
Other names: c.2650G>A, p.Ala884Thr (NM_001127510.3, NM_001354895.2); c.2596G>A, p.Ala866Thr (NM_001127511.3); c.2704G>A, p.Ala902Thr (NM_001354896.2); c.2680G>A, p.Ala894Thr (NM_001354897.2); c.2575G>A, p.Ala859Thr (NM_001354898.2); c.2566G>A, p.Ala856Thr (NM_001354899.2); c.2527G>A, p.Ala843Thr (NM_001354900.2); c.2473G>A, p.Ala825Thr (NM_001354901.2); and 5 more; short protein forms A866T, A884T, A724T, A783T, A793T, A825T, A843T, A758T.
Identifiers: ClinVar variation 216157 (VCV000216157.10), dbSNP rs863224540, ClinGen allele CA335812.